The following is an entry in ClinVar:

ClinVar aggregate classification (germline): Pathogenic (1 of 4 stars; one submission).

Submission:

Labcorp Genetics (formerly Invitae), Labcorp
Classification: Pathogenic. Last evaluated: 2021-02-08. Review status: criteria provided, single submitter. Criteria: Invitae Variant Classification Sherloc (09022015). Collection method: clinical testing. Allele origin: germline.
Comment: For these reasons, this variant has been classified as Pathogenic. Loss-of-function variants in INPPL1 are known to be pathogenic (PMID: 23273567, 23273569). This variant has not been reported in the literature in individuals with INPPL1-related conditions. This variant is not present in population databases (ExAC no frequency). This sequence change creates a premature translational stop signal (p.Leu853*) in the INPPL1 gene. It is expected to result in an absent or disrupted protein product.

Literature cited by the submitters: PubMed 23273567; PubMed 23273569.

NM_001567.4(INPPL1):c.2557del (p.Phe852_Leu853insTer)

Gene: INPPL1 (inositol polyphosphate phosphatase like 1; plus strand). Cytogenetic location: 11q13.4.
Variant type: Deletion.
Coding change: c.2557del on transcript NM_001567.4 (MANE Select); coding-DNA position 2557, one base deleted (C; older notation c.2557delC).
Protein change: p.Phe852_Leu853insTer.
Molecular consequence: nonsense.
Genome position (GRCh38, 1-based): chr11:72,235,349, C deleted; the last of 2 consecutive C bases (chr11:72,235,348-72,235,349); deleting either gives the same sequence. VCF-style (leftmost placement, unchanged base first): chr11-72235347-TC-T. GRCh37 (hg19) VCF-style: chr11-71946391-TC-T.
Identifiers: ClinVar variation 1074745 (VCV001074745.7), dbSNP rs2135440992, ClinGen allele CA2499221295.